The following is an entry in ClinVar:

NM_017882.3(CLN6):c.487-13G>A

Gene: CLN6 (CLN6 transmembrane ER protein; minus strand). Cytogenetic location: 15q23.
Variant type: single nucleotide variant.
Coding change: c.487-13G>A on transcript NM_017882.3 (MANE Select); 13 bases into the intron before coding-DNA position 487, G replaced by A.
Molecular consequence: intron variant.
Genome position (GRCh38, 1-based): chr15:68,211,331, C>T on the plus strand (G>A on the coding strand, the complement: CLN6 is on the minus strand). VCF-style: chr15-68211331-C-T. GRCh37 (hg19) VCF-style: chr15-68503669-C-T.
Identifiers: ClinVar variation 380421 (VCV000380421.10), dbSNP rs747926816, ClinGen allele CA7630572.
Genomic context (GRCh38, chr15:68,211,331, plus strand): 5'-GTGACCCAGGTACTCATCATAATAGTAGAGCAGCTCAAAGGAGTCGATCTGAGGGAGGAA[C>T]GGGCAGGGCAGAGTCGGGGGATGTCGATGTCAGTCCAGGGAGGTGCTGGGGCCCCAAGCA-3'

ClinVar aggregate classification (germline): Likely benign. Review status: criteria provided, multiple submitters, no conflicts (2 of 4 stars). 3 submissions from 3 submitters: Likely benign (3). Last evaluated 2025-12-08.

Conditions:
Neuronal ceroid lipofuscinosis. Also called: Neuronal Ceroid Lipofuscinoses. Identifiers: Orphanet 216, Orphanet 79263, MedGen C0027877, MONDO:0016295. Disease mechanism: loss of function.

Allele frequency attached by ClinVar (database versions not stated): ExAC 0.00002; gnomAD exomes 0.00002 and 0.00005; TOPMed 0.00002; gnomAD 0.00004.
gnomAD v4.1: 82 of 1,613,726 alleles (0.0051%); highest among the groups gnomAD compares: Admixed American, 0.0083%; no homozygotes.

Submissions (3):

Labcorp Genetics (formerly Invitae), Labcorp
Classification: Likely benign for Neuronal ceroid lipofuscinosis. Last evaluated: 2025-12-08. Review status: criteria provided, single submitter. Criteria: Invitae Variant Classification Sherloc (09022015). Collection method: clinical testing. Allele origin: germline.

Blueprint Genetics
Classification: Likely benign. Last evaluated: 2022-08-11. Review status: criteria provided, single submitter. Criteria: ACMG Guidelines, 2015. Collection method: clinical testing. Allele origin: germline.

GeneDx
Classification: Likely benign. Last evaluated: 2016-06-30. Review status: criteria provided, single submitter. Criteria: GeneDx Variant Classification (06012015). Collection method: clinical testing. Allele origin: germline. Affected: yes.
Comment: This variant is considered likely benign or benign based on one or more of the following criteria: it is a conservative change, it occurs at a poorly conserved position in the protein, it is predicted to be benign by multiple in silico algorithms, and/or has population frequency not consistent with disease.